The following is an entry in ClinVar:

ClinVar aggregate classification (germline): Pathogenic. Review status: reviewed by expert panel (3 of 4 stars). 3 submissions from 3 submitters: Pathogenic (1). 2 of the submissions do not count toward it. Last evaluated 2016-10-18.

Conditions:
Breast-ovarian cancer, familial, susceptibility to, 2 (BROVCA2). Also called: BRCA2 Hereditary Breast and Ovarian Cancer. Identifiers: Orphanet 145, MedGen C2675520, MONDO:0012933, OMIM 612555. Disease mechanism: loss of function.

Submissions (3):

Evidence-based Network for the Interpretation of Germline Mutant Alleles (ENIGMA)
Classification: Pathogenic for Breast-ovarian cancer, familial, susceptibility to, 2. Last evaluated: 2016-10-18. Review status: reviewed by expert panel. Criteria: ENIGMA BRCA1/2 Classification Criteria (2015). Collection method: curation. Allele origin: germline.
Comment: Variant allele predicted to encode a truncated non-functional protein.

Clinical Genetics and Genomics, Karolinska University Hospital
Classification: Pathogenic. Last evaluated: 2016-07-21. Review status: criteria provided, single submitter. Criteria: ACMG Guidelines, 2015. Collection method: clinical testing. Allele origin: germline. Affected: yes. Observed: 1 variant allele. Not counted in ClinVar's aggregate classification.

Consortium of Investigators of Modifiers of BRCA1/2 (CIMBA), c/o University of Cambridge
Classification: Pathogenic for Breast-ovarian cancer, familial, susceptibility to, 2. Last evaluated: 2015-10-02. Review status: criteria provided, single submitter. Criteria: CIMBA Mutation Classification guidelines May 2016. Collection method: clinical testing. Allele origin: germline. Not counted in ClinVar's aggregate classification.

NM_000059.4(BRCA2):c.8195_8202del (p.Leu2732fs)

Gene: BRCA2 (BRCA2 DNA repair associated; plus strand). Cytogenetic location: 13q13.1.
Variant type: Deletion.
Coding change: c.8195_8202del on transcript NM_000059.4 (MANE Select); coding-DNA positions 8195 to 8202, 8 bases deleted (TAGATCCT; older notation c.8195_8202delTAGATCCT).
Protein change: p.Leu2732fs; shifts the reading frame from leucine 2732.
Molecular consequence: frameshift variant.
Genome position (GRCh38, 1-based): chr13:32,363,397-32,363,404, TAGATCCT deleted; deleting any 8 consecutive bases within chr13:32,363,396-32,363,404 gives the same sequence; the c. name uses the placement nearest the transcript's 3' end. VCF-style (leftmost placement, unchanged base first): chr13-32363395-GTTAGATCC-G. GRCh37 (hg19) VCF-style: chr13-32937532-GTTAGATCC-G.
Other names: 8423_8430del8; short protein forms L2732fs.
Identifiers: ClinVar variation 267058 (VCV000267058.6), dbSNP rs886040749, ClinGen allele CA10589472.
Genomic context (GRCh38, chr13:32,363,395, plus strand): 5'-AGATACCCAAAAAGTGGCCATTATTGAACTTACAGATGGGTGGTATGCTGTTAAGGCCCA[GTTAGATCC>G]TCCCCTCTTAGCTGTCTTAAAGAATGGCAGACTGACAGTTGGTCAGAAGATTATTCTTCA-3'